The following is an entry in ClinVar:

NM_201253.3(CRB1):c.521G>C (p.Cys174Ser)

Gene: CRB1 (crumbs cell polarity complex component 1; plus strand). Cytogenetic location: 1q31.3.
Variant type: single nucleotide variant.
Coding change: c.521G>C on transcript NM_201253.3 (MANE Select); coding-DNA position 521, G replaced by C.
Protein change: p.Cys174Ser; replaces cysteine 174 with serine.
Molecular consequence: missense variant. On other transcripts: non-coding transcript variant (2).
Genome position (GRCh38, 1-based): chr1:197,328,872, G>C. VCF-style: chr1-197328872-G-C. GRCh37 (hg19) VCF-style: chr1-197298002-G-C.
Other names: c.521G>C, p.Cys174Ser (NM_001193640.2, NM_001257966.2); c.314G>C, p.Cys105Ser (NM_001257965.2); short protein forms C105S, C174S.
Identifiers: ClinVar variation 2093148 (VCV002093148.4), dbSNP rs2465031669, ClinGen allele CA344085955.

ClinVar aggregate classification (germline): Uncertain significance (1 of 4 stars; one submission).

Conditions:
Retinitis pigmentosa 12 (RP12). Also called: RP WITH OR WITHOUT PRESERVED PARAARTERIOLE RETINAL PIGMENT EPITHELIUM; RETINITIS PIGMENTOSA WITH OR WITHOUT PARAARTERIOLAR PRESERVATION OF RETINAL PIGMENT EPITHELIUM; RP WITH OR WITHOUT PPRPE. Identifiers: Orphanet 791, MedGen C1838647, MONDO:0010818, OMIM 600105.
Leber congenital amaurosis 8 (LCA8). Identifiers: Orphanet 65, MedGen C3151202, MONDO:0013453, OMIM 613835.

Submission:

Labcorp Genetics (formerly Invitae), Labcorp
Classification: Uncertain significance for Leber congenital amaurosis 8; Retinitis pigmentosa 12. Last evaluated: 2022-02-04. Review status: criteria provided, single submitter. Criteria: Invitae Variant Classification Sherloc (09022015). Collection method: clinical testing. Allele origin: germline.
Comment: In summary, the available evidence is currently insufficient to determine the role of this variant in disease. Therefore, it has been classified as a Variant of Uncertain Significance. Advanced modeling of protein sequence and biophysical properties (such as structural, functional, and spatial information, amino acid conservation, physicochemical variation, residue mobility, and thermodynamic stability) performed at Invitae indicates that this missense variant is expected to disrupt CRB1 protein function. This variant has not been reported in the literature in individuals affected with CRB1-related conditions. This variant is not present in population databases (gnomAD no frequency). This sequence change replaces cysteine, which is neutral and slightly polar, with serine, which is neutral and polar, at codon 174 of the CRB1 protein (p.Cys174Ser).